The following is an entry in ClinVar:

NM_000165.5(GJA1):c.656T>C (p.Val219Ala)

Gene: GJA1 (gap junction protein alpha 1; plus strand). Cytogenetic location: 6q22.31.
Variant type: single nucleotide variant.
Coding change: c.656T>C on transcript NM_000165.5 (MANE Select); coding-DNA position 656, T replaced by C.
Protein change: p.Val219Ala; replaces valine 219 with alanine.
Molecular consequence: missense variant.
Genome position (GRCh38, 1-based): chr6:121,447,503, T>C. VCF-style: chr6-121447503-T-C. GRCh37 (hg19) VCF-style: chr6-121768649-T-C.
Other names: short protein forms V219A.
Identifiers: ClinVar variation 4738829 (VCV004738829.1).

ClinVar aggregate classification (germline): Uncertain significance (1 of 4 stars; one submission).

Conditions:
Oculodentodigital dysplasia, autosomal recessive. Also called: OCULODENTOOSSEOUS DYSPLASIA, AUTOSOMAL RECESSIVE; ODDD, AUTOSOMAL RECESSIVE; ODOD, AUTOSOMAL RECESSIVE. Identifiers: Orphanet 2710, MedGen C2749477, MONDO:0009768, OMIM 257850.

Submission:

Labcorp Genetics (formerly Invitae), Labcorp
Classification: Uncertain significance for Oculodentodigital dysplasia, autosomal recessive. Last evaluated: 2026-01-22. Review status: criteria provided, single submitter. Criteria: Invitae Variant Classification Sherloc (09022015). Collection method: clinical testing. Allele origin: germline.
Comment: This sequence change replaces valine, which is neutral and non-polar, with alanine, which is neutral and non-polar, at codon 219 of the GJA1 protein (p.Val219Ala). This variant is not present in population databases (gnomAD no frequency). This variant has not been reported in the literature in individuals affected with GJA1-related conditions. Invitae Evidence Modeling of protein sequence and biophysical properties (such as structural, functional, and spatial information, amino acid conservation, physicochemical variation, residue mobility, and thermodynamic stability) has been performed for this missense variant. However, the output from this modeling did not meet the statistical confidence thresholds required to predict the impact of this variant on GJA1 protein function. In summary, the available evidence is currently insufficient to determine the role of this variant in disease. Therefore, it has been classified as a Variant of Uncertain Significance.